The following is an entry in ClinVar:

NM_001377295.2(GNAT2):c.590+1del

Gene: GNAT2 (G protein subunit alpha transducin 2; minus strand). Cytogenetic location: 1p13.3.
Variant type: Deletion.
Coding change: c.590+1del on transcript NM_001377295.2 (MANE Select); the canonical splice donor site of the intron after coding-DNA position 590, one base deleted (G; older notation c.590+1delG).
Molecular consequence: splice donor variant.
Genome position (GRCh38, 1-based): chr1:109,606,307, C deleted on the plus strand (G on the coding strand, the reverse complement: GNAT2 is on the minus strand); the first of 2 consecutive C bases (chr1:109,606,307-109,606,308); deleting either gives the same sequence. VCF-style (leftmost placement, unchanged base first): chr1-109606306-AC-A. GRCh37 (hg19) VCF-style: chr1-110148928-AC-A.
Other names: c.590+1del (NM_001379232.1, NM_005272.5).
Identifiers: ClinVar variation 1455635 (VCV001455635.6), dbSNP rs1266550019, ClinGen allele CA419683307.

ClinVar aggregate classification (germline): Pathogenic (1 of 4 stars; one submission).

Submission:

Labcorp Genetics (formerly Invitae), Labcorp
Classification: Pathogenic. Last evaluated: 2023-08-28. Review status: criteria provided, single submitter. Criteria: Invitae Variant Classification Sherloc (09022015). Collection method: clinical testing. Allele origin: germline.
Comment: For these reasons, this variant has been classified as Pathogenic. Algorithms developed to predict the effect of sequence changes on RNA splicing suggest that this variant may disrupt the consensus splice site. ClinVar contains an entry for this variant (Variation ID: 1455635). This variant is also known as c.590+1del. This variant has not been reported in the literature in individuals affected with GNAT2-related conditions. This variant is not present in population databases (gnomAD no frequency). This sequence change creates a premature translational stop signal (p.Met198Cysfs*43) in the GNAT2 gene. It is expected to result in an absent or disrupted protein product. Loss-of-function variants in GNAT2 are known to be pathogenic (PMID: 12077706).

Literature cited by the submitters: PubMed 12077706.